The following is an entry in ClinVar:

ClinVar aggregate classification (germline): Uncertain significance. Review status: criteria provided, multiple submitters, no conflicts (2 of 4 stars). 3 submissions from 3 submitters: Uncertain significance (3). Last evaluated 2026-08-01.

gnomAD v4.1: 21 of 1,613,468 alleles (0.0013%); highest among the groups gnomAD compares: South Asian, 0.023%; no homozygotes.

Submissions (4):

CeGaT Center for Human Genetics Tuebingen
Classification: Uncertain significance. Last evaluated: 2026-08-01. Review status: criteria provided, single submitter. Criteria: CeGaT Center For Human Genetics Tuebingen Variant Classification Criteria Version 2. Collection method: clinical testing. Allele origin: germline. Affected: yes. Observed: 1 variant allele.
Comment: USH2A: PM2

GeneDx
Classification: Uncertain significance. Last evaluated: 2024-12-26. Review status: criteria provided, single submitter. Criteria: GeneDx Variant Classification Process June 2021. Collection method: clinical testing. Allele origin: germline. Affected: yes.
Comment: In silico analysis supports that this missense variant has a deleterious effect on protein structure/function; This variant is associated with the following publications: (PMID: 36819107)

Blueprint Genetics
Classification: Uncertain significance. Last evaluated: 2023-04-21. Review status: criteria provided, single submitter. Criteria: ACMG Guidelines, 2015. Collection method: clinical testing. Allele origin: germline.

Dr. Peter K. Rogan Lab, Western University
No classification provided (evidence only). Condition: Melanoma. Review status: no classification provided. Collection method: in vitro. Allele origin: not applicable. Functional consequence: retained intron. Not counted in ClinVar's aggregate classification.

NM_206933.4(USH2A):c.1437C>A (p.Phe479Leu)

Gene: USH2A (usherin; minus strand). Cytogenetic location: 1q41.
Variant type: single nucleotide variant.
Coding change: c.1437C>A on transcript NM_206933.4 (MANE Select); coding-DNA position 1437, C replaced by A.
Protein change: p.Phe479Leu; replaces phenylalanine 479 with leucine.
Molecular consequence: missense variant.
Genome position (GRCh38, 1-based): chr1:216,323,587, G>T on the plus strand (C>A on the coding strand, the complement: USH2A is on the minus strand). VCF-style: chr1-216323587-G-T. GRCh37 (hg19) VCF-style: chr1-216496929-G-T.
Other names: NC_000001.10:g.216496929G>T; c.1437C>A, p.Phe479Leu (NM_007123.6); short protein forms F479L.
Identifiers: ClinVar variation 3907823 (VCV003907823.4).